The following is an entry in ClinVar:

NM_000548.5(TSC2):c.1808C>G (p.Thr603Ser)

Gene: TSC2 (TSC complex subunit 2; plus strand). Cytogenetic location: 16p13.3.
Variant type: single nucleotide variant.
Coding change: c.1808C>G on transcript NM_000548.5 (MANE Select); coding-DNA position 1808, C replaced by G.
Protein change: p.Thr603Ser; replaces threonine 603 with serine.
Molecular consequence: missense variant.
Genome position (GRCh38, 1-based): chr16:2,070,547, C>G. VCF-style: chr16-2070547-C-G. GRCh37 (hg19) VCF-style: chr16-2120548-C-G.
Other names: c.1808C>G, p.Thr603Ser (NM_001077183.3, NM_001114382.3, NM_001363528.2 and 3 more transcripts); c.1697C>G, p.Thr566Ser (NM_001318827.2); c.1661C>G, p.Thr554Ser (NM_001318829.2); c.1208C>G, p.Thr403Ser (NM_001318831.2); c.1841C>G, p.Thr614Ser (NM_001318832.2); short protein forms T403S, T554S, T614S, T566S, T603S.
Identifiers: ClinVar variation 1362039 (VCV001362039.10), dbSNP rs1318655892, ClinGen allele CA394272965.
Genomic context (GRCh38, chr16:2,070,547, plus strand): 5'-CCACGCGTGTGTATGAGATGCTGGTCAGCCACATTCAGCTCCACTACAAGCACAGCTACA[C>G]CCTGCCAATCGCGAGCAGCATCCGGCTGCAGGTATGGTGGCTGGGGTTGCGCAGCCAGTT-3'
Protein context (NP_000539.2, residues 593-613): HIQLHYKHSY[Thr603Ser]LPIASSIRLQ

ClinVar aggregate classification (germline): Conflicting classifications of pathogenicity. Review status: criteria provided, conflicting classifications (1 of 4 stars). 4 submissions from 4 submitters: Uncertain significance (3); Likely benign (1). Last evaluated 2025-07-01.

Conditions:
Tuberous sclerosis syndrome (TSC). Also called: Tuberous sclerosis; Tuberous Sclerosis Complex. Identifiers: Orphanet 805, MedGen C0041341, MONDO:0001734.
Tuberous sclerosis 2 (TSC2). Identifiers: Orphanet 805, MedGen C1860707, MONDO:0013199, OMIM 613254.
Hereditary cancer-predisposing syndrome. Also called: Hereditary Cancer Syndrome; Hereditary neoplastic syndrome; Tumor predisposition; Neoplastic Syndromes, Hereditary. Identifiers: Orphanet 140162, MedGen C0027672, MeSH D009386, MONDO:0015356.

gnomAD v4.1: 1 of 1,613,270 alleles (0.000062%); highest among the groups gnomAD compares: East Asian, 0.0022%; no homozygotes.

Submissions (4):

Labcorp Genetics (formerly Invitae), Labcorp
Classification: Uncertain significance for Tuberous sclerosis 2. Last evaluated: 2025-07-01. Review status: criteria provided, single submitter. Criteria: Invitae Variant Classification Sherloc (09022015). Collection method: clinical testing. Allele origin: germline.
Comment: This sequence change replaces threonine, which is neutral and polar, with serine, which is neutral and polar, at codon 603 of the TSC2 protein (p.Thr603Ser). This variant is not present in population databases (gnomAD no frequency). This missense change has been observed in individual(s) with clinical features of tuberous sclerosis complex (PMID: 31856217). ClinVar contains an entry for this variant (Variation ID: 1362039). Invitae Evidence Modeling of protein sequence and biophysical properties (such as structural, functional, and spatial information, amino acid conservation, physicochemical variation, residue mobility, and thermodynamic stability) indicates that this missense variant is not expected to disrupt TSC2 protein function with a negative predictive value of 95%. In summary, the available evidence is currently insufficient to determine the role of this variant in disease. Therefore, it has been classified as a Variant of Uncertain Significance.

St. Jude Molecular Pathology, St. Jude Children's Research Hospital
Classification: Uncertain significance for Tuberous sclerosis 2. Last evaluated: 2024-08-24. Review status: criteria provided, single submitter. Criteria: St. Jude Assertion Criteria 2020. Collection method: clinical testing. Allele origin: germline.
Comment: The TSC2 c.1808C>G (p.Thr603Ser) missense change is absent in gnomAD v2.1.1. The in silico tool REVEL is inconclusive about a pathogenic or benign effect of this variant on protein function, and to our knowledge functional studies have not been performed. This variant has been reported in an individual with lymphangioleiomyomatosis (LAM) (PMID: 31856217). In summary, the evidence currently available is insufficient to determine the clinical significance of this variant. It has therefore been classified as of uncertain significance.

All of Us Research Program, National Institutes of Health
Classification: Uncertain significance for Tuberous sclerosis syndrome. Last evaluated: 2024-06-17. Review status: criteria provided, single submitter. Criteria: ACMG Guidelines, 2015. Collection method: clinical testing. Allele origin: germline. Inheritance: Autosomal dominant inheritance. Observed: 1 variant allele, 1 heterozygote.
Comment: This missense variant replaces threonine with serine at codon 603 of the TSC2 protein. Computational prediction suggests that this variant may not impact protein structure and function. To our knowledge, functional studies have not been reported for this variant. This variant has been reported in an individual affected with lymphangioleiomyomatosis (PMID:31856217). This variant has not been identified in the general population by the Genome Aggregation Database (gnomAD). The available evidence is insufficient to determine the role of this variant in disease conclusively. Therefore, this variant is classified as a Variant of Uncertain Significance.

This study involves interpretation of variants in research participants for the purpose of population health screening. Participant phenotype was not available at the time of variant classification. Additional details can be found in publication PMID: 35346344, PMCID: PMC8962531

Ambry Genetics
Classification: Likely benign for Hereditary cancer-predisposing syndrome. Last evaluated: 2022-10-17. Review status: criteria provided, single submitter. Criteria: Ambry Variant Classification Scheme 2023. Collection method: clinical testing. Allele origin: germline.

Literature cited by the submitters: PubMed 31856217 (cited by Labcorp Genetics (formerly Invitae), Labcorp and All of Us Research Program, National Institutes of Health).